The following is an entry in ClinVar:

ClinVar aggregate classification (germline): Uncertain significance (1 of 4 stars; one submission).

Conditions:
Emery-Dreifuss muscular dystrophy 4, autosomal dominant (EDMD4). Also called: EMERY-DREIFUSS MUSCULAR DYSTROPHY 4 WITH VARIABLE FEATURES. Identifiers: Orphanet 261, MedGen C2751807, MONDO:0013071, OMIM 612998.
Autosomal recessive ataxia, Beauce type. Also called: SYNE1 Deficiency; Spinocerebellar ataxia, autosomal recessive 8; ATAXIA, RECESSIVE, OF BEAUCE; SYNE1-Related Autosomal Recessive Cerebellar Ataxia. Identifiers: Orphanet 88644, MedGen C1853116, MONDO:0012549, OMIM 610743.

Allele frequency attached by ClinVar (database versions not stated): ExAC 0.00001.

Submission:

Labcorp Genetics (formerly Invitae), Labcorp
Classification: Uncertain significance for Emery-Dreifuss muscular dystrophy 4, autosomal dominant; Autosomal recessive ataxia, Beauce type. Last evaluated: 2023-06-20. Review status: criteria provided, single submitter. Criteria: Invitae Variant Classification Sherloc (09022015). Collection method: clinical testing. Allele origin: germline.
Comment: This sequence change replaces arginine, which is basic and polar, with glycine, which is neutral and non-polar, at codon 5339 of the SYNE1 protein (p.Arg5339Gly). This variant is present in population databases (rs761432453, gnomAD 0.007%). This variant has not been reported in the literature in individuals affected with SYNE1-related conditions. ClinVar contains an entry for this variant (Variation ID: 2093616). An algorithm developed to predict the effect of missense changes on protein structure and function (PolyPhen-2) suggests that this variant is likely to be tolerated. In summary, the available evidence is currently insufficient to determine the role of this variant in disease. Therefore, it has been classified as a Variant of Uncertain Significance.

NM_182961.4(SYNE1):c.16228C>G (p.Arg5410Gly)

Gene: SYNE1 (spectrin repeat containing nuclear envelope protein 1; minus strand). Cytogenetic location: 6q25.2.
Variant type: single nucleotide variant.
Coding change: c.16228C>G on transcript NM_182961.4 (MANE Select); coding-DNA position 16228, C replaced by G.
Protein change: p.Arg5410Gly; replaces arginine 5410 with glycine.
Molecular consequence: missense variant.
Genome position (GRCh38, 1-based): chr6:152,321,246, G>C on the plus strand (C>G on the coding strand, the complement: SYNE1 is on the minus strand). VCF-style: chr6-152321246-G-C. GRCh37 (hg19) VCF-style: chr6-152642381-G-C.
Other names: c.16015C>G, p.Arg5339Gly (NM_033071.5); short protein forms R5339G, R5410G.
Identifiers: ClinVar variation 2093616 (VCV002093616.4), dbSNP rs761432453, ClinGen allele CA4055587.